The following is an entry in ClinVar:

ClinVar aggregate classification (germline): Uncertain significance (1 of 4 stars; one submission).

Submission:

Labcorp Genetics (formerly Invitae), Labcorp
Classification: Uncertain significance. Last evaluated: 2025-01-13. Review status: criteria provided, single submitter. Criteria: Invitae Variant Classification Sherloc (09022015). Collection method: clinical testing. Allele origin: germline.
Comment: This sequence change creates a premature translational stop signal (p.Gly778Argfs*23) in the BACH2 gene. While this is not anticipated to result in nonsense mediated decay, it is expected to disrupt the last 64 amino acid(s) of the BACH2 protein. This variant is present in population databases (rs755611605, gnomAD 0.01%). This variant has not been reported in the literature in individuals affected with BACH2-related conditions. ClinVar contains an entry for this variant (Variation ID: 2960815). Experimental studies and prediction algorithms are not available or were not evaluated, and the functional significance of this variant is currently unknown. In summary, the available evidence is currently insufficient to determine the role of this variant in disease. Therefore, it has been classified as a Variant of Uncertain Significance.

NM_021813.4(BACH2):c.2331dup (p.Gly778fs)

Gene: BACH2 (BTB domain and CNC homolog 2; minus strand). Cytogenetic location: 6q15.
Variant type: Duplication.
Coding change: c.2331dup on transcript NM_021813.4 (MANE Select); coding-DNA position 2331, one base duplicated (C; older notation c.2331dupC).
Protein change: p.Gly778fs; shifts the reading frame from glycine 778.
Molecular consequence: frameshift variant.
Genome position (GRCh38, 1-based): chr6:89,932,603, G duplicated on the plus strand (C on the coding strand, the reverse complement: BACH2 is on the minus strand); the first of 6 consecutive G bases (chr6:89,932,603-89,932,608); duplicating any one gives the same sequence. VCF-style (leftmost placement, unchanged base first): chr6-89932602-C-CG. GRCh37 (hg19) VCF-style: chr6-90642321-C-CG.
Other names: c.2331dup, p.Gly778fs (NM_001170794.2); short protein forms G778fs.
Identifiers: ClinVar variation 2960815 (VCV002960815.2), dbSNP rs755611605, ClinGen allele CA3927805.